The following is an entry in ClinVar:

NM_030962.4(SBF2):c.195C>G (p.Phe65Leu)

Gene: SBF2 (SET binding factor 2; minus strand). Cytogenetic location: 11p15.4.
Variant type: single nucleotide variant.
Coding change: c.195C>G on transcript NM_030962.4 (MANE Select); coding-DNA position 195, C replaced by G.
Protein change: p.Phe65Leu; replaces phenylalanine 65 with leucine.
Molecular consequence: missense variant.
Genome position (GRCh38, 1-based): chr11:10,042,928, G>C on the plus strand (C>G on the coding strand, the complement: SBF2 is on the minus strand). VCF-style: chr11-10042928-G-C. GRCh37 (hg19) VCF-style: chr11-10064475-G-C.
Other names: c.195C>G, p.Phe65Leu (NM_001386339.1, NM_001386342.1); short protein forms F65L.
Identifiers: ClinVar variation 938744 (VCV000938744.10), dbSNP rs1949709027, ClinGen allele CA379643969.

ClinVar aggregate classification (germline): Uncertain significance (1 of 4 stars; one submission).

Conditions:
Charcot-Marie-Tooth disease type 4. Also called: Charcot-Marie-Tooth disease, type IV; Charcot-Marie-Tooth, Type 4. Identifiers: Orphanet 64749, MedGen C4082197, MONDO:0018995.

Submission:

Labcorp Genetics (formerly Invitae), Labcorp
Classification: Uncertain significance for Charcot-Marie-Tooth disease type 4. Last evaluated: 2022-08-23. Review status: criteria provided, single submitter. Criteria: Invitae Variant Classification Sherloc (09022015). Collection method: clinical testing. Allele origin: germline.
Comment: In summary, the available evidence is currently insufficient to determine the role of this variant in disease. Therefore, it has been classified as a Variant of Uncertain Significance. Algorithms developed to predict the effect of missense changes on protein structure and function are either unavailable or do not agree on the potential impact of this missense change (SIFT: "Deleterious"; PolyPhen-2: "Probably Damaging"; Align-GVGD: "Class C0"). ClinVar contains an entry for this variant (Variation ID: 938744). This variant has not been reported in the literature in individuals affected with SBF2-related conditions. This variant is not present in population databases (gnomAD no frequency). This sequence change replaces phenylalanine, which is neutral and non-polar, with leucine, which is neutral and non-polar, at codon 65 of the SBF2 protein (p.Phe65Leu).